The following is an entry in ClinVar:

ClinVar aggregate classification (germline): Uncertain significance (1 of 4 stars; one submission).

gnomAD v4.1: 1 of 1,614,166 alleles (0.000062%); highest among the groups gnomAD compares: South Asian, 0.0011%; no homozygotes.

Submission:

Labcorp Genetics (formerly Invitae), Labcorp
Classification: Uncertain significance. Last evaluated: 2025-06-25. Review status: criteria provided, single submitter. Criteria: Invitae Variant Classification Sherloc (09022015). Collection method: clinical testing. Allele origin: germline.
Comment: This sequence change falls in intron 17 of the ARNT2 gene. It does not directly change the encoded amino acid sequence of the ARNT2 protein. This variant is present in population databases (no rsID available, gnomAD 0.003%). This variant has not been reported in the literature in individuals affected with ARNT2-related conditions. Algorithms developed to predict the effect of sequence changes on RNA splicing suggest that this variant may disrupt the consensus splice site. In summary, the available evidence is currently insufficient to determine the role of this variant in disease. Therefore, it has been classified as a Variant of Uncertain Significance.

NM_014862.4(ARNT2):c.1919-8T>C

Gene: ARNT2 (aryl hydrocarbon receptor nuclear translocator 2; plus strand). Cytogenetic location: 15q25.1.
Variant type: single nucleotide variant.
Coding change: c.1919-8T>C on transcript NM_014862.4 (MANE Select); 8 bases into the intron before coding-DNA position 1919, T replaced by C.
Molecular consequence: intron variant.
Genome position (GRCh38, 1-based): chr15:80,591,560, T>C. VCF-style: chr15-80591560-T-C. GRCh37 (hg19) VCF-style: chr15-80883901-T-C.
Identifiers: ClinVar variation 4721599 (VCV004721599.1).